The following is an entry in ClinVar:

ClinVar aggregate classification (germline): Uncertain significance (1 of 4 stars; one submission).

Submission:

GeneDx
Classification: Uncertain significance. Last evaluated: 2024-02-21. Review status: criteria provided, single submitter. Criteria: GeneDx Variant Classification Process June 2021. Collection method: clinical testing. Allele origin: germline. Affected: yes.
Comment: Not observed at significant frequency in large population cohorts (gnomAD); In silico analysis supports that this missense variant does not alter protein structure/function; Has not been previously published as pathogenic or benign to our knowledge

NM_001256012.3(MYH10):c.3239C>T (p.Thr1080Ile)

Gene: MYH10 (myosin heavy chain 10; minus strand). Cytogenetic location: 17p13.1.
Variant type: single nucleotide variant.
Coding change: c.3239C>T on transcript NM_001256012.3 (MANE Select); coding-DNA position 3239, C replaced by T.
Protein change: p.Thr1080Ile; replaces threonine 1080 with isoleucine.
Molecular consequence: missense variant.
Genome position (GRCh38, 1-based): chr17:8,506,465, G>A on the plus strand (C>T on the coding strand, the complement: MYH10 is on the minus strand). VCF-style: chr17-8506465-G-A. GRCh37 (hg19) VCF-style: chr17-8409783-G-A.
Other names: c.3173C>T, p.Thr1058Ile (NM_001256095.2); c.3176C>T, p.Thr1059Ile (NM_001375266.1); c.3146C>T, p.Thr1049Ile (NM_005964.5); short protein forms T1049I, T1058I, T1059I, T1080I.
Identifiers: ClinVar variation 3369631 (VCV003369631.1).